The following is an entry in ClinVar:

NC_000001.10:g.(?_216363595)_(216374941_?)del

Gene: USH2A (usherin; minus strand). Cytogenetic location: 1q41.
Variant type: Deletion.
Identifiers: ClinVar variation 1349290 (VCV001349290.3).

ClinVar aggregate classification (germline): Pathogenic (1 of 4 stars; one submission).

Submission:

Labcorp Genetics (formerly Invitae), Labcorp
Classification: Pathogenic. Last evaluated: 2022-08-23. Review status: criteria provided, single submitter. Criteria: Invitae Variant Classification Sherloc (09022015). Collection method: clinical testing. Allele origin: germline.
Comment: This variant results in the deletion of exons 17-19 and part of exon 20 (c.3317-1478_4366del) of the USH2A gene. It is expected to disrupt RNA splicing. Variants that disrupt the donor or acceptor splice site typically lead to a loss of protein function (PMID: 16199547), and loss-of-function variants in USH2A are known to be pathogenic (PMID: 10729113, 10909849, 20507924, 25649381). This variant has not been reported in the literature in individuals affected with USH2A-related conditions. For these reasons, this variant has been classified as Pathogenic. This variant disrupts a region of the USH2A protein in which other variant(s) (p.Phe1442Ser) have been determined to be pathogenic (PMID: 24227914, 24516651, 30190494). This suggests that this is a clinically significant region of the protein, and that variants that disrupt it are likely to be disease-causing.

Literature cited by the submitters: PubMed 16199547; PubMed 10729113; PubMed 10909849; PubMed 20507924; PubMed 25649381; PubMed 24227914; PubMed 24516651; PubMed 30190494.